The following is an entry in ClinVar:

ClinVar aggregate classification (germline): Uncertain significance (1 of 4 stars; one submission).

Conditions:
Joubert syndrome 15 (JBTS15). Identifiers: Orphanet 475, MedGen C3280897, MONDO:0013763, OMIM 614464.

Allele frequency attached by ClinVar (database versions not stated): TOPMed below 0.00001; ExAC 0.00001; gnomAD 0.00001; gnomAD exomes 0.00001.
gnomAD v4.1: 12 of 1,612,962 alleles (0.00074%); highest among the groups gnomAD compares: Admixed American, 0.0017%; no homozygotes.

Submission:

Labcorp Genetics (formerly Invitae), Labcorp
Classification: Uncertain significance for Joubert syndrome 15. Last evaluated: 2022-06-20. Review status: criteria provided, single submitter. Criteria: Invitae Variant Classification Sherloc (09022015). Collection method: clinical testing. Allele origin: germline.
Comment: This sequence change replaces isoleucine, which is neutral and non-polar, with lysine, which is basic and polar, at codon 310 of the CEP41 protein (p.Ile310Lys). In summary, the available evidence is currently insufficient to determine the role of this variant in disease. Therefore, it has been classified as a Variant of Uncertain Significance. Algorithms developed to predict the effect of sequence changes on RNA splicing suggest that this variant may create or strengthen a splice site. Algorithms developed to predict the effect of missense changes on protein structure and function (SIFT, PolyPhen-2, Align-GVGD) all suggest that this variant is likely to be disruptive. This variant has not been reported in the literature in individuals affected with CEP41-related conditions. This variant is present in population databases (rs782435349, gnomAD 0.002%).

NM_018718.3(CEP41):c.929T>A (p.Ile310Lys)

Gene: CEP41 (centrosomal protein 41; minus strand). Cytogenetic location: 7q32.2.
Variant type: single nucleotide variant.
Coding change: c.929T>A on transcript NM_018718.3 (MANE Select); coding-DNA position 929, T replaced by A.
Protein change: p.Ile310Lys; replaces isoleucine 310 with lysine.
Molecular consequence: missense variant. On other transcripts: non-coding transcript variant (1), intron variant (2).
Genome position (GRCh38, 1-based): chr7:130,400,083, A>T on the plus strand (T>A on the coding strand, the complement: CEP41 is on the minus strand). VCF-style: chr7-130400083-A-T. GRCh37 (hg19) VCF-style: chr7-130039924-A-T.
Other names: c.709+624T>A (NM_001257159.2); c.757+624T>A (NM_001257158.2); short protein forms I310K.
Identifiers: ClinVar variation 1519127 (VCV001519127.6), dbSNP rs782435349, ClinGen allele CA4485439.